The following is an entry in ClinVar:

NM_004380.3(CREBBP):c.761C>T (p.Ala254Val)

Gene: CREBBP (CREB binding lysine acetyltransferase; minus strand). Cytogenetic location: 16p13.3.
Variant type: single nucleotide variant.
Coding change: c.761C>T on transcript NM_004380.3 (MANE Select); coding-DNA position 761, C replaced by T.
Protein change: p.Ala254Val; replaces alanine 254 with valine.
Molecular consequence: missense variant.
Genome position (GRCh38, 1-based): chr16:3,850,334, G>A on the plus strand (C>T on the coding strand, the complement: CREBBP is on the minus strand). VCF-style: chr16-3850334-G-A. GRCh37 (hg19) VCF-style: chr16-3900335-G-A.
Other names: c.761C>T, p.Ala254Val (NM_001079846.1); short protein forms A254V.
Identifiers: ClinVar variation 2389633 (VCV002389633.8), dbSNP rs199768244, ClinGen allele CA7870615.

ClinVar aggregate classification (germline): Conflicting classifications of pathogenicity. Review status: criteria provided, conflicting classifications (1 of 4 stars). 3 submissions from 3 submitters: Uncertain significance (1); Likely benign (2). Last evaluated 2025-10-13.

Conditions:
CREBBP-related disorder. Also called: CREBBP-related condition; CREBBP-related disorders.
Rubinstein-Taybi syndrome (RSTS). Identifiers: Orphanet 783, MedGen C0035934, MONDO:0019188.
Inborn genetic diseases. Identifiers: MedGen C0950123, MeSH D030342.

Allele frequency attached by ClinVar (database versions not stated): TOPMed 0.00002; ExAC 0.00003; gnomAD 0.00003; ESP Exome Variant Server 0.00008; gnomAD exomes 0.00010; 1000 Genomes Project 0.00020; 1000 Genomes Project 30x 0.00031.
gnomAD v4.1: 153 of 1,614,210 alleles (0.0095%); highest among the groups gnomAD compares: Non-Finnish European, 0.012%; no homozygotes.

Submissions (3):

PreventionGenetics, part of Exact Sciences
Classification: Uncertain significance for CREBBP-related condition. Last evaluated: 2025-10-13. Review status: criteria provided, single submitter. Criteria: ACMG Guidelines, 2015. Collection method: clinical testing. Allele origin: germline.
Comment: The CREBBP c.761C>T variant is predicted to result in the amino acid substitution p.Ala254Val. This variant was reported in an individual with Rubinstein–Taybi Syndrome; however, this individual also harbored an additional CREBBP variant (Table 1, Schorry et al. 2008. PubMed ID: 18792986). This variant is reported in 0.0070% of alleles in individuals of European (Non-Finnish) descent in gnomAD. At this time, the clinical significance of this variant is uncertain due to the absence of conclusive functional and genetic evidence.

Labcorp Genetics (formerly Invitae), Labcorp
Classification: Likely benign for Rubinstein-Taybi syndrome. Last evaluated: 2025-07-27. Review status: criteria provided, single submitter. Criteria: Invitae Variant Classification Sherloc (09022015). Collection method: clinical testing. Allele origin: germline.

Ambry Genetics
Classification: Likely benign for Inborn genetic diseases. Last evaluated: 2021-04-09. Review status: criteria provided, single submitter. Criteria: Ambry Variant Classification Scheme 2023. Collection method: clinical testing. Allele origin: germline.